The following is an entry in ClinVar:

ClinVar aggregate classification (germline): Uncertain significance (1 of 4 stars; one submission).

Conditions:
Primary ciliary dyskinesia. Also called: Ciliary dyskinesia. Identifiers: Orphanet 244, MedGen C0008780, MONDO:0016575, HP:0012265.

gnomAD v4.1: 1 of 1,599,486 alleles (0.000063%); highest among the groups gnomAD compares: Non-Finnish European, 0.000085%; no homozygotes.

Submission:

Labcorp Genetics (formerly Invitae), Labcorp
Classification: Uncertain significance for Primary ciliary dyskinesia. Last evaluated: 2024-12-07. Review status: criteria provided, single submitter. Criteria: Invitae Variant Classification Sherloc (09022015). Collection method: clinical testing. Allele origin: germline.
Comment: This sequence change replaces asparagine, which is neutral and polar, with threonine, which is neutral and polar, at codon 1918 of the DNAH11 protein (p.Asn1918Thr). This variant is not present in population databases (gnomAD no frequency). This missense change has been observed in individual(s) with clinical features of DNAH11-related conditions (internal data). Invitae Evidence Modeling of protein sequence and biophysical properties (such as structural, functional, and spatial information, amino acid conservation, physicochemical variation, residue mobility, and thermodynamic stability) has been performed for this missense variant. However, the output from this modeling did not meet the statistical confidence thresholds required to predict the impact of this variant on DNAH11 protein function. In summary, the available evidence is currently insufficient to determine the role of this variant in disease. Therefore, it has been classified as a Variant of Uncertain Significance.

NM_001277115.2(DNAH11):c.5753A>C (p.Asn1918Thr)

Gene: DNAH11 (dynein axonemal heavy chain 11; plus strand). Cytogenetic location: 7p15.3.
Variant type: single nucleotide variant.
Coding change: c.5753A>C on transcript NM_001277115.2 (MANE Select); coding-DNA position 5753, A replaced by C.
Protein change: p.Asn1918Thr; replaces asparagine 1918 with threonine.
Molecular consequence: missense variant.
Genome position (GRCh38, 1-based): chr7:21,687,230, A>C. VCF-style: chr7-21687230-A-C. GRCh37 (hg19) VCF-style: chr7-21726848-A-C.
Other names: short protein forms N1918T.
Identifiers: ClinVar variation 3622477 (VCV003622477.1).